The following is an entry in ClinVar:

NM_000875.5(IGF1R):c.*63AG[3]

Gene: IGF1R (insulin like growth factor 1 receptor; plus strand). Cytogenetic location: 15q26.3.
Variant type: Microsatellite.
Coding change: c.*63AG[3] on transcript NM_000875.5 (MANE Select); three copies in a row of the 2-base unit AG starting at c.*63; the reference has four copies in a row; one copy, 2 bases deleted.
Molecular consequence: 3 prime UTR variant.
Genome position (GRCh38, 1-based): chr15:98,957,511-98,957,512, AG deleted; deleting any 2 consecutive bases within chr15:98,957,504-98,957,512 gives the same sequence; the position shown is the placement nearest the transcript's 3' end. VCF-style (leftmost placement, unchanged base first): chr15-98957503-GGA-G. GRCh37 (hg19) VCF-style: chr15-99500732-GGA-G.
Other names: c.*63AG[3] (NM_001291858.2).
Identifiers: ClinVar variation 317471 (VCV000317471.30), dbSNP rs370196264, ClinGen allele CA10642720.

ClinVar aggregate classification (germline): Conflicting classifications of pathogenicity. Review status: criteria provided, conflicting classifications (1 of 4 stars). 2 submissions from 2 submitters: Uncertain significance (1); Benign (1). Last evaluated 2023-05-01.

Submissions (2):

CeGaT Center for Human Genetics Tuebingen
Classification: Benign. Last evaluated: 2023-05-01. Review status: criteria provided, single submitter. Criteria: CeGaT Center For Human Genetics Tuebingen Variant Classification Criteria Version 2. Collection method: clinical testing. Allele origin: germline. Affected: yes. Observed: 3 variant alleles.
Comment: IGF1R: BS1, BS2

Breakthrough Genomics
Classification: Uncertain significance. Review status: criteria provided, single submitter. Criteria: ACMG Guidelines, 2015. Collection method: not provided. Allele origin: germline. Inheritance: Autosomal recessive inheritance. Affected: yes.